The following is an entry in ClinVar:

ClinVar aggregate classification (germline): Pathogenic (1 of 4 stars; one submission).

Conditions:
Cornelia de Lange syndrome 1 (CDLS1). Also called: Brachmann de Lange syndrome; NIPBL-Related Cornelia de Lange Syndrome; TYPUS DEGENERATIVUS AMSTELODAMENSIS. Identifiers: Orphanet 199, MedGen C4551851, MONDO:0007387, OMIM 122470.

Submission:

Rady Children's Institute for Genomic Medicine, Rady Children's Hospital San Diego
Classification: Pathogenic for Cornelia de Lange syndrome 1. Last evaluated: 2025-02-11. Review status: criteria provided, single submitter. Criteria: ACMG Guidelines, 2015. Collection method: clinical testing. Allele origin: germline. Affected: yes.
Comment: This variant affects the canonical splice acceptor site of intron 31. While the adjacent exon is in-frame, multiple splice prediction tools suggest that this change would activate a cryptic splice acceptor site within exon 32. Use of this cryptic splice site would create a frameshift and result in loss of normal protein function through either protein truncation or nonsense-mediated mRNA decay. The NIPBL gene is constrained against variation (Z-score = 6.7 and pLI = 1), and loss-of-function variants are an established mechanism of disease (HGMD, ClinVar database; PMID: 20301283). This variant has not been previously reported or functionally characterized in the literature to our knowledge. The c.5809-2A>C variant is absent from the latest version of the gnomAD population database and thus is presumed to be rare. Based on parental analysis, this variant likely occurred as a de novo event. Based on the available evidence, c.5809-2A>C is classified as Pathogenic.

Literature cited by the submitters: PubMed 20301283.

NM_133433.4(NIPBL):c.5809-2A>C

Gene: NIPBL (NIPBL cohesin loading factor; plus strand). Cytogenetic location: 5p13.2.
Variant type: single nucleotide variant.
Coding change: c.5809-2A>C on transcript NM_133433.4 (MANE Select); the canonical splice acceptor site of the intron before coding-DNA position 5809, A replaced by C.
Molecular consequence: splice acceptor variant.
Genome position (GRCh38, 1-based): chr5:37,027,357, A>C. VCF-style: chr5-37027357-A-C. GRCh37 (hg19) VCF-style: chr5-37027459-A-C.
Other names: c.5809-2A>C (NM_001438586.1, NM_015384.5).
Identifiers: ClinVar variation 4814201 (VCV004814201.1).